The following is an entry in ClinVar:

ClinVar aggregate classification (germline): Uncertain significance (1 of 4 stars; one submission).

Conditions:
Autosomal recessive distal spinal muscular atrophy 1. Also called: Spinal muscular atrophy with respiratory distress 1; HMN VI; NEURONOPATHY, SEVERE INFANTILE AXONAL, WITH RESPIRATORY FAILURE; NEURONOPATHY, DISTAL HEREDITARY MOTOR, HARDING TYPE VI; NEUROPATHY, DISTAL HEREDITARY MOTOR, AUTOSOMAL RECESSIVE 1; SEVERE INFANTILE AXONAL NEUROPATHY WITH RESPIRATORY FAILURE. Identifiers: Orphanet 98920, MedGen C1858517, MONDO:0011436, OMIM 604320.
Charcot-Marie-Tooth disease axonal type 2S. Also called: CHARCOT-MARIE-TOOTH NEUROPATHY, TYPE 2S; CHARCOT-MARIE-TOOTH DISEASE, AXONAL, AUTOSOMAL RECESSIVE, TYPE 2S. Identifiers: Orphanet 443073, MedGen C4015349, MONDO:0014511, OMIM 616155.

Allele frequency attached by ClinVar (database versions not stated): gnomAD exomes 0.00001 and 0.00002; ExAC 0.00003.
gnomAD v4.1: 15 of 1,614,184 alleles (0.00093%); highest among the groups gnomAD compares: Middle Eastern, 0.017%; 1 homozygote.

Submission:

Labcorp Genetics (formerly Invitae), Labcorp
Classification: Uncertain significance for Autosomal recessive distal spinal muscular atrophy 1; Charcot-Marie-Tooth disease axonal type 2S. Last evaluated: 2022-05-27. Review status: criteria provided, single submitter. Criteria: Invitae Variant Classification Sherloc (09022015). Collection method: clinical testing. Allele origin: germline.
Comment: This sequence change replaces threonine, which is neutral and polar, with methionine, which is neutral and non-polar, at codon 222 of the IGHMBP2 protein (p.Thr222Met). This variant is present in population databases (rs745416724, gnomAD 0.01%), including at least one homozygous and/or hemizygous individual. This variant has not been reported in the literature in individuals affected with IGHMBP2-related conditions. ClinVar contains an entry for this variant (Variation ID: 957056). Advanced modeling of protein sequence and biophysical properties (such as structural, functional, and spatial information, amino acid conservation, physicochemical variation, residue mobility, and thermodynamic stability) performed at Invitae indicates that this missense variant is expected to disrupt IGHMBP2 protein function. In summary, the available evidence is currently insufficient to determine the role of this variant in disease. Therefore, it has been classified as a Variant of Uncertain Significance.

NM_002180.3(IGHMBP2):c.665C>T (p.Thr222Met)

Gene: IGHMBP2 (immunoglobulin mu DNA binding protein 2; plus strand). Cytogenetic location: 11q13.3.
Variant type: single nucleotide variant.
Coding change: c.665C>T on transcript NM_002180.3 (MANE Select); coding-DNA position 665, C replaced by T.
Protein change: p.Thr222Met; replaces threonine 222 with methionine.
Molecular consequence: missense variant.
Genome position (GRCh38, 1-based): chr11:68,911,557, C>T. VCF-style: chr11-68911557-C-T. GRCh37 (hg19) VCF-style: chr11-68679025-C-T.
Other names: short protein forms T222M.
Identifiers: ClinVar variation 957056 (VCV000957056.5), dbSNP rs745416724, ClinGen allele CA6153355.